The following is an entry in ClinVar:

ClinVar aggregate classification (germline): Uncertain significance. Review status: criteria provided, multiple submitters, no conflicts (2 of 4 stars). 5 submissions from 5 submitters: Uncertain significance (5). Last evaluated 2025-08-29.

Conditions:
Developmental and epileptic encephalopathy, 12 (DEE12). Identifiers: MedGen C3150988, MONDO:0013389, OMIM 613722.
Inborn genetic diseases. Identifiers: MedGen C0950123, MeSH D030342.
Ataxia - oculomotor apraxia type 4. Identifiers: Orphanet 459033, MedGen C4225397, MONDO:0014557, OMIM 616267.

Allele frequency attached by ClinVar (database versions not stated): gnomAD 0.00001; gnomAD exomes 0.00001; TOPMed 0.00001.

Submissions (5):

Ambry Genetics
Classification: Uncertain significance for Inborn genetic diseases. Last evaluated: 2025-08-29. Review status: criteria provided, single submitter. Criteria: Ambry Variant Classification Scheme 2023. Collection method: clinical testing. Allele origin: germline.

Labcorp Genetics (formerly Invitae), Labcorp
Classification: Uncertain significance for Developmental and epileptic encephalopathy, 12. Last evaluated: 2024-06-10. Review status: criteria provided, single submitter. Criteria: Invitae Variant Classification Sherloc (09022015). Collection method: clinical testing. Allele origin: germline.
Comment: This sequence change replaces proline, which is neutral and non-polar, with leucine, which is neutral and non-polar, at codon 351 of the PNKP protein (p.Pro351Leu). This variant is present in population databases (no rsID available, gnomAD 0.004%). This variant has not been reported in the literature in individuals affected with PNKP-related conditions. ClinVar contains an entry for this variant (Variation ID: 587403). Advanced modeling of protein sequence and biophysical properties (such as structural, functional, and spatial information, amino acid conservation, physicochemical variation, residue mobility, and thermodynamic stability) performed at Invitae indicates that this missense variant is not expected to disrupt PNKP protein function with a negative predictive value of 80%. In summary, the available evidence is currently insufficient to determine the role of this variant in disease. Therefore, it has been classified as a Variant of Uncertain Significance.

Blueprint Genetics
Classification: Uncertain significance. Last evaluated: 2022-07-05. Review status: criteria provided, single submitter. Criteria: ACMG Guidelines, 2015. Collection method: clinical testing. Allele origin: germline.

GeneDx
Classification: Uncertain significance. Last evaluated: 2019-08-30. Review status: criteria provided, single submitter. Criteria: GeneDx Variant Classification Process June 2021. Collection method: clinical testing. Allele origin: germline. Affected: yes.
Comment: Not observed at a significant frequency in large population cohorts (Lek et al., 2016); In silico analysis, which includes protein predictors and evolutionary conservation, supports a deleterious effect; Has not been previously published as pathogenic or benign to our knowledge

Genomic Research Center, Shahid Beheshti University of Medical Sciences
Classification: Uncertain significance for Ataxia-oculomotor apraxia 4. Last evaluated: 2018-08-07. Review status: criteria provided, single submitter. Criteria: ACMG Guidelines, 2015. Collection method: clinical testing. Allele origin: inherited. Affected: yes. Observed: 1 variant allele.

NM_007254.4(PNKP):c.1052C>T (p.Pro351Leu)

Gene: PNKP (polynucleotide kinase 3'-phosphatase; minus strand). Cytogenetic location: 19q13.33.
Variant type: single nucleotide variant.
Coding change: c.1052C>T on transcript NM_007254.4 (MANE Select); coding-DNA position 1052, C replaced by T.
Protein change: p.Pro351Leu; replaces proline 351 with leucine.
Molecular consequence: missense variant.
Genome position (GRCh38, 1-based): chr19:49,862,259, G>A on the plus strand (C>T on the coding strand, the complement: PNKP is on the minus strand). VCF-style: chr19-49862259-G-A. GRCh37 (hg19) VCF-style: chr19-50365516-G-A.
Other names: short protein forms P351L.
Identifiers: ClinVar variation 587403 (VCV000587403.18), dbSNP rs797045891, ClinGen allele CA406880064.